The following is an entry in ClinVar:

ClinVar aggregate classification (germline): Uncertain significance (1 of 4 stars; one submission).

Conditions:
Gorlin syndrome. Also called: Nevoid Basal Cell Carcinoma Syndrome; Basal cell nevus syndrome. Identifiers: Orphanet 377, MedGen C0004779, MONDO:0007187.

Submission:

Labcorp Genetics (formerly Invitae), Labcorp
Classification: Uncertain significance for Gorlin syndrome. Last evaluated: 2025-11-18. Review status: criteria provided, single submitter. Criteria: Invitae Variant Classification Sherloc (09022015). Collection method: clinical testing. Allele origin: germline.
Comment: This sequence change replaces alanine, which is neutral and non-polar, with valine, which is neutral and non-polar, at codon 443 of the PTCH1 protein (p.Ala443Val). This variant is not present in population databases (gnomAD no frequency). This variant has not been reported in the literature in individuals affected with PTCH1-related conditions. ClinVar contains an entry for this variant (Variation ID: 237453). Invitae Evidence Modeling of protein sequence and biophysical properties (such as structural, functional, and spatial information, amino acid conservation, physicochemical variation, residue mobility, and thermodynamic stability) indicates that this missense variant is not expected to disrupt PTCH1 protein function with a negative predictive value of 95%. In summary, the available evidence is currently insufficient to determine the role of this variant in disease. Therefore, it has been classified as a Variant of Uncertain Significance.

NM_000264.5(PTCH1):c.1328C>T (p.Ala443Val)

Gene: PTCH1 (patched 1; minus strand). Cytogenetic location: 9q22.32.
Variant type: single nucleotide variant.
Coding change: c.1328C>T on transcript NM_000264.5 (MANE Select); coding-DNA position 1328, C replaced by T.
Protein change: p.Ala443Val; replaces alanine 443 with valine.
Molecular consequence: missense variant. On other transcripts: non-coding transcript variant (1).
Genome position (GRCh38, 1-based): chr9:95,478,074, G>A on the plus strand (C>T on the coding strand, the complement: PTCH1 is on the minus strand). VCF-style: chr9-95478074-G-A. GRCh37 (hg19) VCF-style: chr9-98240356-G-A.
Other names: c.1130C>T, p.Ala377Val (NM_001083602.3); c.1325C>T, p.Ala442Val (NM_001083603.3); c.875C>T, p.Ala292Val (NM_001083604.3, NM_001083605.3, NM_001083606.3 and 1 more transcripts); c.1328C>T, p.Ala443Val (NM_001354918.2); short protein forms A377V, A443V, A292V, A442V.
Identifiers: ClinVar variation 237453 (VCV000237453.7), dbSNP rs878853845, ClinGen allele CA10582684.